The following is an entry in ClinVar:

NM_006662.3(SRCAP):c.5582C>T (p.Pro1861Leu)

Gene: SRCAP (Snf2 related CREBBP activator protein; plus strand). Cytogenetic location: 16p11.2.
Variant type: single nucleotide variant.
Coding change: c.5582C>T on transcript NM_006662.3 (MANE Select); coding-DNA position 5582, C replaced by T.
Protein change: p.Pro1861Leu; replaces proline 1861 with leucine.
Molecular consequence: missense variant.
Genome position (GRCh38, 1-based): chr16:30,725,006, C>T. VCF-style: chr16-30725006-C-T. GRCh37 (hg19) VCF-style: chr16-30736327-C-T.
Other names: short protein forms P1861L.
Identifiers: ClinVar variation 3368301 (VCV003368301.1).

ClinVar aggregate classification (germline): Uncertain significance (1 of 4 stars; one submission).

Submission:

GeneDx
Classification: Uncertain significance. Last evaluated: 2024-01-26. Review status: criteria provided, single submitter. Criteria: GeneDx Variant Classification Process June 2021. Collection method: clinical testing. Allele origin: germline. Affected: yes.
Comment: Has not been previously published as pathogenic or benign to our knowledge; In silico analysis supports that this missense variant does not alter protein structure/function